The following is an entry in ClinVar:

ClinVar aggregate classification (germline): Uncertain significance (1 of 4 stars; one submission).

Conditions:
Aniridia 1 (AN1). Identifiers: Orphanet 250923, MedGen C0344542, MONDO:0024507, OMIM 106210.
Irido-corneo-trabecular dysgenesis (ASGD5). Also called: ANTERIOR SEGMENT DYSGENESIS 5. Identifiers: Orphanet 708, MedGen C0344559, MONDO:0011414, OMIM 604229, HP:0000659.

Submission:

Labcorp Genetics (formerly Invitae), Labcorp
Classification: Uncertain significance for Aniridia 1; Irido-corneo-trabecular dysgenesis. Last evaluated: 2024-03-26. Review status: criteria provided, single submitter. Criteria: Invitae Variant Classification Sherloc (09022015). Collection method: clinical testing. Allele origin: germline.
Comment: This sequence change replaces arginine, which is basic and polar, with glycine, which is neutral and non-polar, at codon 44 of the PAX6 protein (p.Arg44Gly). This variant is not present in population databases (gnomAD no frequency). This variant has not been reported in the literature in individuals affected with PAX6-related conditions. Advanced modeling of protein sequence and biophysical properties (such as structural, functional, and spatial information, amino acid conservation, physicochemical variation, residue mobility, and thermodynamic stability) performed at Invitae indicates that this missense variant is expected to disrupt PAX6 protein function with a positive predictive value of 80%. This variant disrupts the p.Arg44 amino acid residue in PAX6. Other variant(s) that disrupt this residue have been observed in individuals with PAX6-related conditions (PMID: 9856761, 29178648), which suggests that this may be a clinically significant amino acid residue. In summary, the available evidence is currently insufficient to determine the role of this variant in disease. Therefore, it has been classified as a Variant of Uncertain Significance.

Literature cited by the submitters: PubMed 9856761; PubMed 29178648.

NM_001368894.2(PAX6):c.130C>G (p.Arg44Gly)

Gene: PAX6 (paired box 6; minus strand). Cytogenetic location: 11p13.
Variant type: single nucleotide variant.
Coding change: c.130C>G on transcript NM_001368894.2 (MANE Select); coding-DNA position 130, C replaced by G.
Protein change: p.Arg44Gly; replaces arginine 44 with glycine.
Molecular consequence: missense variant. On other transcripts: 5 prime UTR variant (12), non-coding transcript variant (2), intron variant (2).
Genome position (GRCh38, 1-based): chr11:31,802,715, G>C on the plus strand (C>G on the coding strand, the complement: PAX6 is on the minus strand). VCF-style: chr11-31802715-G-C. GRCh37 (hg19) VCF-style: chr11-31824263-G-C.
Other names: c.130C>G, p.Arg44Gly (NM_000280.6, NM_001127612.3, NM_001258462.3 and 30 more transcripts); c.-652C>G (NM_001310160.2, NM_001368905.2); c.-321C>G (NM_001310161.3, NM_001368900.2, NM_001368903.2 and 2 more transcripts); c.-279C>G (NM_001368899.2, NM_001368901.2, NM_001368906.2 and 1 more transcripts); c.-610C>G (NM_001368902.2); c.373C>G, p.Arg125Gly (NM_001368910.2); c.133C>G, p.Arg45Gly (NM_001368911.2); c.-267-939C>G (NM_001368909.2, NM_001368904.2); short protein forms R125G, R44G, R45G.
Identifiers: ClinVar variation 3755524 (VCV003755524.2).